The following is an entry in ClinVar:

ClinVar aggregate classification (germline): Conflicting classifications of pathogenicity. Review status: criteria provided, conflicting classifications (1 of 4 stars). 2 submissions from 2 submitters: Uncertain significance (1); Likely benign (1). Last evaluated 2025-01-09.

Conditions:
FBRSL1-related disorder. Also called: FBRSL1-related condition.

Allele frequency attached by ClinVar (database versions not stated): 1000 Genomes Project 30x 0.00156.
gnomAD v4.1: 265 of 1,028,716 alleles (0.026%); highest among the groups gnomAD compares: African/African-American, 0.42%; 1 homozygote.

Submissions (2):

PreventionGenetics, part of Exact Sciences
Classification: Likely benign for FBRSL1-related condition. Last evaluated: 2025-01-09. Review status: criteria provided, single submitter. Criteria: ACMG Guidelines, 2015. Collection method: clinical testing. Allele origin: germline.
Comment: This variant is classified as likely benign based on ACMG/AMP sequence variant interpretation guidelines (Richards et al. 2015 PMID: 25741868, with internal and published modifications).

Ambry Genetics
Classification: Uncertain significance. Last evaluated: 2021-07-20. Review status: criteria provided, single submitter. Criteria: Ambry Variant Classification Scheme 2023. Collection method: clinical testing. Allele origin: germline.

NM_001367871.1(FBRSL1):c.2797C>T (p.Leu933Phe)

Gene: FBRSL1 (fibrosin like 1; plus strand). Cytogenetic location: 12q24.33.
Variant type: single nucleotide variant.
Coding change: c.2797C>T on transcript NM_001367871.1 (MANE Select); coding-DNA position 2797, C replaced by T.
Protein change: p.Leu933Phe; replaces leucine 933 with phenylalanine.
Molecular consequence: missense variant.
Genome position (GRCh38, 1-based): chr12:132,583,566, C>T. VCF-style: chr12-132583566-C-T. GRCh37 (hg19) VCF-style: chr12-133160152-C-T.
Other names: c.2926C>T, p.Leu976Phe (NM_001142641.2); c.2851C>T, p.Leu951Phe (NM_001382739.1); c.2176C>T, p.Leu726Phe (NM_001382740.1); short protein forms L976F, L726F, L933F, L951F.
Identifiers: ClinVar variation 2387530 (VCV002387530.3), dbSNP rs951140856, ClinGen allele CA246306067.